The following is an entry in ClinVar:

NM_000350.3(ABCA4):c.3206A>G (p.Lys1069Arg)

Gene: ABCA4 (ATP binding cassette subfamily A member 4; minus strand). Cytogenetic location: 1p22.1.
Variant type: single nucleotide variant.
Coding change: c.3206A>G on transcript NM_000350.3 (MANE Select); coding-DNA position 3206, A replaced by G.
Protein change: p.Lys1069Arg; replaces lysine 1069 with arginine.
Molecular consequence: missense variant.
Genome position (GRCh38, 1-based): chr1:94,042,883, T>C on the plus strand (A>G on the coding strand, the complement: ABCA4 is on the minus strand). VCF-style: chr1-94042883-T-C. GRCh37 (hg19) VCF-style: chr1-94508439-T-C.
Other names: c.2984A>G, p.Lys995Arg (NM_001425324.1); short protein forms K1069R, K995R.
Identifiers: ClinVar variation 298252 (VCV000298252.10), dbSNP rs775661924, ClinGen allele CA958009.

ClinVar aggregate classification (germline): Conflicting classifications of pathogenicity. Review status: criteria provided, conflicting classifications (1 of 4 stars). 3 submissions from 3 submitters: Likely pathogenic (1); Uncertain significance (2). Last evaluated 2024-08-26.

Conditions:
ABCA4-related disorder. Also called: ABCA4-related disorders; ABCA4-related condition. Identifiers: MedGen CN239167.

Allele frequency attached by ClinVar (database versions not stated): gnomAD exomes below 0.00001 and 0.00001; TOPMed below 0.00001; ExAC 0.00001; gnomAD 0.00001.
gnomAD v4.1: 8 of 1,614,064 alleles (0.0005%); highest among the groups gnomAD compares: Non-Finnish European, 0.00068%; no homozygotes.

Submissions (3):

Blueprint Genetics
Classification: Uncertain significance. Last evaluated: 2024-08-26. Review status: criteria provided, single submitter. Criteria: ACMG Guidelines, 2015. Collection method: clinical testing. Allele origin: germline.

Labcorp Genetics (formerly Invitae), Labcorp
Classification: Likely pathogenic. Last evaluated: 2023-08-16. Review status: criteria provided, single submitter. Criteria: Invitae Variant Classification Sherloc (09022015). Collection method: clinical testing. Allele origin: germline.
Comment: This sequence change replaces lysine, which is basic and polar, with arginine, which is basic and polar, at codon 1069 of the ABCA4 protein (p.Lys1069Arg). This variant is present in population databases (rs775661924, gnomAD 0.002%). This variant has not been reported in the literature in individuals affected with ABCA4-related conditions. ClinVar contains an entry for this variant (Variation ID: 298252). Advanced modeling of protein sequence and biophysical properties (such as structural, functional, and spatial information, amino acid conservation, physicochemical variation, residue mobility, and thermodynamic stability) performed at Invitae indicates that this missense variant is expected to disrupt ABCA4 protein function. This variant disrupts the p.Lys1069 amino acid residue in ABCA4. Other variant(s) that disrupt this residue have been determined to be pathogenic (PMID: 21911583; Invitae). This suggests that this residue is clinically significant, and that variants that disrupt this residue are likely to be disease-causing. In summary, the currently available evidence indicates that the variant is pathogenic, but additional data are needed to prove that conclusively. Therefore, this variant has been classified as Likely Pathogenic.

Illumina Laboratory Services, Illumina
Classification: Uncertain significance for ABCA4-Related Disorders. Last evaluated: 2018-01-12. Review status: criteria provided, single submitter. Criteria: ICSL Variant Classification Criteria 13 December 2019. Collection method: clinical testing. Allele origin: germline.

Literature cited by the submitters: PubMed 21911583 (cited by Labcorp Genetics (formerly Invitae), Labcorp).